The following is an entry in ClinVar:

NM_152594.3(SPRED1):c.556G>A (p.Val186Ile)

Gene: SPRED1 (sprouty related EVH1 domain containing 1; plus strand). Cytogenetic location: 15q14.
Variant type: single nucleotide variant.
Coding change: c.556G>A on transcript NM_152594.3 (MANE Select); coding-DNA position 556, G replaced by A.
Protein change: p.Val186Ile; replaces valine 186 with isoleucine.
Molecular consequence: missense variant.
Genome position (GRCh38, 1-based): chr15:38,339,869, G>A. VCF-style: chr15-38339869-G-A. GRCh37 (hg19) VCF-style: chr15-38632070-G-A.
Other names: short protein forms V186I.
Identifiers: ClinVar variation 2838749 (VCV002838749.3), dbSNP rs2542723979, ClinGen allele CA391932692.

ClinVar aggregate classification (germline): Uncertain significance (1 of 4 stars; one submission).

Conditions:
Legius syndrome. Identifiers: Orphanet 137605, MedGen C1969623, MONDO:0012669, OMIM 611431. Disease mechanism: loss of function.

Submission:

Labcorp Genetics (formerly Invitae), Labcorp
Classification: Uncertain significance for Legius syndrome. Last evaluated: 2023-02-21. Review status: criteria provided, single submitter. Criteria: Invitae Variant Classification Sherloc (09022015). Collection method: clinical testing. Allele origin: germline.
Comment: In summary, the available evidence is currently insufficient to determine the role of this variant in disease. Therefore, it has been classified as a Variant of Uncertain Significance. Advanced modeling of protein sequence and biophysical properties (such as structural, functional, and spatial information, amino acid conservation, physicochemical variation, residue mobility, and thermodynamic stability) performed at Invitae indicates that this missense variant is not expected to disrupt SPRED1 protein function. This variant has not been reported in the literature in individuals affected with SPRED1-related conditions. This variant is not present in population databases (gnomAD no frequency). This sequence change replaces valine, which is neutral and non-polar, with isoleucine, which is neutral and non-polar, at codon 186 of the SPRED1 protein (p.Val186Ile).